The following is an entry in ClinVar:

ClinVar aggregate classification (germline): Uncertain significance. Review status: criteria provided, multiple submitters, no conflicts (2 of 4 stars). 3 submissions from 3 submitters: Uncertain significance (3). Last evaluated 2026-02-01.

Conditions:
Inborn genetic diseases. Identifiers: MedGen C0950123, MeSH D030342.
Hereditary sensory and autonomic neuropathy type 6. Also called: HSAN VI; Neuropathy, hereditary sensory and autonomic, type VI. Identifiers: Orphanet 314381, MedGen C3539003, MONDO:0013839, OMIM 614653.
Epidermolysis bullosa simplex 3, localized or generalized intermediate, with BP230 deficiency (EBS3). Also called: Epidermolysis bullosa simplex, autosomal recessive 2; Epidermolysis bullosa simplex due to BP230 deficiency. Identifiers: Orphanet 412181, MedGen C3809470, MONDO:0014180, OMIM 615425.

Allele frequency attached by ClinVar (database versions not stated): gnomAD 0.00002; gnomAD exomes 0.00001; TOPMed 0.00001.
gnomAD v4.1: 18 of 1,610,988 alleles (0.0011%); highest among the groups gnomAD compares: Non-Finnish European, 0.0015%; no homozygotes.

Submissions (3):

CeGaT Center for Human Genetics Tuebingen
Classification: Uncertain significance. Last evaluated: 2026-02-01. Review status: criteria provided, single submitter. Criteria: CeGaT Center For Human Genetics Tuebingen Variant Classification Criteria Version 2. Collection method: clinical testing. Allele origin: germline. Affected: yes. Observed: 1 variant allele.
Comment: DST: PM2

Ambry Genetics
Classification: Uncertain significance for Inborn genetic diseases. Last evaluated: 2023-07-21. Review status: criteria provided, single submitter. Criteria: Ambry Variant Classification Scheme 2023. Collection method: clinical testing. Allele origin: germline.

Labcorp Genetics (formerly Invitae), Labcorp
Classification: Uncertain significance for Epidermolysis bullosa simplex 3, localized or generalized intermediate, with BP230 deficiency; Hereditary sensory and autonomic neuropathy type 6. Last evaluated: 2022-07-17. Review status: criteria provided, single submitter. Criteria: Invitae Variant Classification Sherloc (09022015). Collection method: clinical testing. Allele origin: germline.
Comment: The DST gene has multiple clinically relevant transcripts. This variant occurs in alternate transcript NM_015548.4, and corresponds to NM_001723.5(DST):c.*1088A>C in the primary transcript. This sequence change replaces lysine, which is basic and polar, with threonine, which is neutral and polar, at codon 1125 of the DST protein (p.Lys1125Thr). This variant is present in population databases (no rsID available, gnomAD 0.007%). This variant has not been reported in the literature in individuals affected with DST-related conditions. Experimental studies and prediction algorithms are not available or were not evaluated, and the functional significance of this variant is currently unknown. In summary, the available evidence is currently insufficient to determine the role of this variant in disease. Therefore, it has been classified as a Variant of Uncertain Significance.

NM_001374736.1(DST):c.4985A>C (p.Lys1662Thr)

Gene: DST (dystonin; minus strand). Cytogenetic location: 6p12.1.
Variant type: single nucleotide variant.
Coding change: c.4985A>C on transcript NM_001374736.1 (MANE Select); coding-DNA position 4985, A replaced by C.
Protein change: p.Lys1662Thr; replaces lysine 1662 with threonine.
Molecular consequence: missense variant.
Genome position (GRCh38, 1-based): chr6:56,614,429, T>G on the plus strand (A>C on the coding strand, the complement: DST is on the minus strand). VCF-style: chr6-56614429-T-G. GRCh37 (hg19) VCF-style: chr6-56479227-T-G.
Other names: c.4886A>C (NM_001144769.2); c.4886A>C, p.Lys1629Thr (NM_001144769.5); c.4472A>C, p.Lys1491Thr (NM_001144770.2); c.4985A>C, p.Lys1662Thr (NM_001374722.1); c.4352A>C, p.Lys1451Thr (NM_001374729.1, NM_001374730.1, NM_001386100.1 and 1 more transcripts); c.5012A>C, p.Lys1671Thr (NM_001374734.1); c.3374A>C, p.Lys1125Thr (NM_015548.5); short protein forms K1629T, K1671T, K1125T, K1491T, K1662T, K1451T.
Identifiers: ClinVar variation 2198997 (VCV002198997.7), dbSNP rs1052419163, ClinGen allele CA139204304.
Genomic context (GRCh38, chr6:56,614,429, plus strand): 5'-AAGGGAGGTTTTCCAGCCTTCTCTGCATCTTTCAATGTCTTGCTGATATTTGATACCCAT[T>G]TTTGCAATTCTTTGGCTTTTTCAACATGTTCTTTCTTTTCTTCTTCCAGTGACTTCTGAC-3'
Protein context (NP_001361665.1, residues 1652-1672): EHVEKAKELQ[Lys1662Thr]WVSNISKTLK